The following is an entry in ClinVar:

NM_001347721.2(DYRK1A):c.696G>T (p.Leu232=)

Gene: DYRK1A (dual specificity tyrosine phosphorylation regulated kinase 1A; plus strand). Cytogenetic location: 21q22.13.
Variant type: single nucleotide variant.
Coding change: c.696G>T on transcript NM_001347721.2 (MANE Select); coding-DNA position 696, G replaced by T.
Protein change: p.Leu232=; no amino-acid change (leucine 232 retained).
Molecular consequence: synonymous variant.
Genome position (GRCh38, 1-based): chr21:37,490,233, G>T. VCF-style: chr21-37490233-G-T. GRCh37 (hg19) VCF-style: chr21-38862535-G-T.
Other names: c.696G>T, p.Leu232= (NM_001347722.2, NM_130436.2); c.609G>T, p.Leu203= (NM_001347723.2); c.723G>T, p.Leu241= (NM_001396.5, NM_101395.2, NM_130438.2).
Identifiers: ClinVar variation 507958 (VCV000507958.10), dbSNP rs549631808, ClinGen allele CA10023844.

ClinVar aggregate classification (germline): Likely benign. Review status: criteria provided, multiple submitters, no conflicts (2 of 4 stars). 2 submissions from 2 submitters: Likely benign (2). Last evaluated 2025-06-11.

Conditions:
DYRK1A-related intellectual disability syndrome (MRD7). Also called: DYRK1A Syndrome; Intellectual developmental disorder, autosomal dominant 7. Identifiers: Orphanet 464306, MedGen C5568143, MONDO:0013578, OMIM 614104.

Allele frequency attached by ClinVar (database versions not stated): gnomAD exomes 0.00001 and 0.00002; ExAC 0.00002; gnomAD 0.00005 and 0.00006; TOPMed 0.00007; 1000 Genomes Project 30x 0.00016; 1000 Genomes Project 0.00020.
gnomAD v4.1: 14 of 1,613,710 alleles (0.00087%); highest among the groups gnomAD compares: African/African-American, 0.019%; no homozygotes.

Submissions (2):

Labcorp Genetics (formerly Invitae), Labcorp
Classification: Likely benign for DYRK1A-related intellectual disability syndrome. Last evaluated: 2025-06-11. Review status: criteria provided, single submitter. Criteria: Invitae Variant Classification Sherloc (09022015). Collection method: clinical testing. Allele origin: germline.

GeneDx
Classification: Likely benign. Last evaluated: 2017-03-13. Review status: criteria provided, single submitter. Criteria: GeneDx Variant Classification (06012015). Collection method: clinical testing. Allele origin: germline. Affected: yes.
Comment: This variant is considered likely benign or benign based on one or more of the following criteria: it is a conservative change, it occurs at a poorly conserved position in the protein, it is predicted to be benign by multiple in silico algorithms, and/or has population frequency not consistent with disease.